The following is an entry in ClinVar:

NM_001382567.1(STIM1):c.1568-9T>C

Gene: STIM1 (stromal interaction molecule 1; plus strand). Cytogenetic location: 11p15.4.
Variant type: single nucleotide variant.
Coding change: c.1568-9T>C on transcript NM_001382567.1 (MANE Select); 9 bases into the intron before coding-DNA position 1568, T replaced by C.
Molecular consequence: intron variant.
Genome position (GRCh38, 1-based): chr11:4,086,468, T>C. VCF-style: chr11-4086468-T-C. GRCh37 (hg19) VCF-style: chr11-4107698-T-C.
Other names: c.1253-9T>C (NM_001382578.1, NM_001382575.1, NM_001382576.1 and 3 more transcripts); c.986-9T>C (NM_001382580.1, NM_001382581.1); c.1496-9T>C (NM_001382568.1); c.1475-9T>C (NM_001277962.2, NM_003156.4, NM_001277961.3); c.1247-9T>C (NM_001382570.1); c.1340-9T>C (NM_001382569.1); c.995-9T>C (NM_001382571.1).
Identifiers: ClinVar variation 530886 (VCV000530886.15), dbSNP rs201450136, ClinGen allele CA5830504.

ClinVar aggregate classification (germline): Likely benign. Review status: criteria provided, multiple submitters, no conflicts (2 of 4 stars). 3 submissions from 3 submitters: Likely benign (2). 1 of the submissions does not count toward it. Last evaluated 2026-01-25.

Conditions:
Combined immunodeficiency due to STIM1 deficiency. Also called: STIM1 DEFICIENCY; IMMUNODEFICIENCY 10. Identifiers: Orphanet 169090, Orphanet 317430, MedGen C2748557, MONDO:0013008, OMIM 612783.
Myopathy with tubular aggregates (TAM). Also called: Tubular Aggregate Myopathy. Identifiers: Orphanet 2593, MedGen C0410207, MONDO:0008051.
Stormorken syndrome (STRMK). Also called: THROMBOCYTOPATHY, ASPLENIA, AND MIOSIS. Identifiers: Orphanet 3204, MedGen C1861451, MONDO:0008497, OMIM 185070.
STIM1-related disorder. Also called: STIM1-related condition.

Allele frequency attached by ClinVar (database versions not stated): ExAC 0.00013; ESP Exome Variant Server 0.00015; gnomAD 0.00015; 1000 Genomes Project 30x 0.00016; gnomAD exomes 0.00016 and 0.00021; 1000 Genomes Project 0.00020; TOPMed 0.00021.
gnomAD v4.1: 257 of 1,613,686 alleles (0.016%); highest among the groups gnomAD compares: Non-Finnish European, 0.02%; 2 homozygotes.

Submissions (3):

Labcorp Genetics (formerly Invitae), Labcorp
Classification: Likely benign for Myopathy with tubular aggregates; Combined immunodeficiency due to STIM1 deficiency; Stormorken syndrome. Last evaluated: 2026-01-25. Review status: criteria provided, single submitter. Criteria: Invitae Variant Classification Sherloc (09022015). Collection method: clinical testing. Allele origin: germline.

Blueprint Genetics
Classification: Likely benign. Last evaluated: 2024-09-24. Review status: criteria provided, single submitter. Criteria: ACMG Guidelines, 2015. Collection method: clinical testing. Allele origin: germline.

PreventionGenetics, part of Exact Sciences
Classification: Likely benign for STIM1-related condition. Last evaluated: 2019-05-13. Review status: no assertion criteria provided. Collection method: clinical testing. Allele origin: germline. Not counted in ClinVar's aggregate classification.
Comment: This variant is classified as likely benign based on ACMG/AMP sequence variant interpretation guidelines (Richards et al. 2015 PMID: 25741868, with internal and published modifications).